The following is an entry in ClinVar:

NM_001148.6(ANK2):c.8989T>C (p.Ser2997Pro)

Gene: ANK2 (ankyrin 2; plus strand). Cytogenetic location: 4q26.
Variant type: single nucleotide variant.
Coding change: c.8989T>C on transcript NM_001148.6 (MANE Select); coding-DNA position 8989, T replaced by C.
Protein change: p.Ser2997Pro; replaces serine 2997 with proline.
Molecular consequence: missense variant. On other transcripts: intron variant (68).
Genome position (GRCh38, 1-based): chr4:113,357,607, T>C. VCF-style: chr4-113357607-T-C. GRCh37 (hg19) VCF-style: chr4-114278763-T-C.
Other names: c.8755T>C, p.Ser2919Pro (NM_001386142.1); c.5389T>C, p.Ser1797Pro (NM_001386166.1); c.9130T>C, p.Ser3044Pro (NM_001386174.1); c.9106T>C, p.Ser3036Pro (NM_001386175.1); c.4412-3216T>C (NM_001386186.2, NM_001386148.2); c.4214-3216T>C (NM_001354269.3); c.4292-3216T>C (NM_001386187.2); c.4253-3216T>C (NM_001386147.1); and 35 more; short protein forms S1797P, S2919P, S2997P, S3036P, S3044P.
Identifiers: ClinVar variation 1008742 (VCV001008742.8), dbSNP rs1213001504, ClinGen allele CA357936153.
Genomic context (GRCh38, chr4:113,357,607, plus strand): 5'-TCTAGTGGAACTGTTTTAAGCAAAGAATCTAATTTTGAGGGCCAGGACATAAAAATGGAA[T>C]CCCAACAGGAAAGTACCTTGTGGGAAATGCAATCAGACAGTGTCTCTTCATCTTTCGAGC-3'
Protein context (NP_001139.3, residues 2987-3007): NFEGQDIKME[Ser2997Pro]QQESTLWEMQ

ClinVar aggregate classification (germline): Uncertain significance. Review status: criteria provided, multiple submitters, no conflicts (2 of 4 stars). 3 submissions from 3 submitters: Uncertain significance (3). Last evaluated 2024-11-19.

Conditions:
Long QT syndrome (LQTS). Identifiers: MedGen C0023976, MeSH D008133, MONDO:0002442. Disease mechanism: loss of function. Inheritance: Various modes of inheritance.
Cardiovascular phenotype. Identifiers: MedGen CN230736.

Allele frequency attached by ClinVar (database versions not stated): gnomAD exomes 0.00001; TOPMed 0.00001; gnomAD 0.00002.
gnomAD v4.1: 14 of 1,614,010 alleles (0.00087%); highest among the groups gnomAD compares: African/African-American, 0.0027%; no homozygotes.

Submissions (3):

Labcorp Genetics (formerly Invitae), Labcorp
Classification: Uncertain significance for Long QT syndrome. Last evaluated: 2024-11-19. Review status: criteria provided, single submitter. Criteria: Invitae Variant Classification Sherloc (09022015). Collection method: clinical testing. Allele origin: germline.
Comment: This sequence change replaces serine, which is neutral and polar, with proline, which is neutral and non-polar, at codon 2997 of the ANK2 protein (p.Ser2997Pro). This variant is present in population databases (no rsID available, gnomAD 0.01%). This variant has not been reported in the literature in individuals affected with ANK2-related conditions. ClinVar contains an entry for this variant (Variation ID: 1008742). An algorithm developed to predict the effect of missense changes on protein structure and function outputs the following: PolyPhen-2: "Benign". The proline amino acid residue is found in multiple mammalian species, which suggests that this missense change does not adversely affect protein function. In summary, the available evidence is currently insufficient to determine the role of this variant in disease. Therefore, it has been classified as a Variant of Uncertain Significance.

Blueprint Genetics
Classification: Uncertain significance. Last evaluated: 2024-02-07. Review status: criteria provided, single submitter. Criteria: ACMG Guidelines, 2015. Collection method: clinical testing. Allele origin: germline.

Ambry Genetics
Classification: Uncertain significance for Cardiovascular phenotype. Last evaluated: 2022-08-17. Review status: criteria provided, single submitter. Criteria: Ambry Variant Classification Scheme 2023. Collection method: clinical testing. Allele origin: germline.
Comment: The p.S2997P variant (also known as c.8989T>C), located in coding exon 38 of the ANK2 gene, results from a T to C substitution at nucleotide position 8989. The serine at codon 2997 is replaced by proline, an amino acid with similar properties. This amino acid position is conserved. In addition, this alteration is predicted to be tolerated by in silico analysis. Since supporting evidence is limited at this time, the clinical significance of this alteration remains unclear.